The following is an entry in ClinVar:

ClinVar aggregate classification (germline): Uncertain significance (1 of 4 stars; one submission).

Conditions:
KBG syndrome (KBGS). Also called: ANKRD11-Related KBG Syndrome. Identifiers: Orphanet 2332, MedGen C0220687, MONDO:0007846, OMIM 148050.

Submission:

Labcorp Genetics (formerly Invitae), Labcorp
Classification: Uncertain significance for KBG syndrome. Last evaluated: 2020-09-11. Review status: criteria provided, single submitter. Criteria: Invitae Variant Classification Sherloc (09022015). Collection method: clinical testing. Allele origin: germline.
Comment: In summary, the available evidence is currently insufficient to determine the role of this variant in disease. Therefore, it has been classified as a Variant of Uncertain Significance. Advanced modeling of protein sequence and biophysical properties (such as structural, functional, and spatial information, amino acid conservation, physicochemical variation, residue mobility, and thermodynamic stability) performed at Invitae indicates that this missense variant is not expected to disrupt ANKRD11 protein function. This variant has not been reported in the literature in individuals with ANKRD11-related conditions. This variant is not present in population databases (ExAC no frequency). This sequence change replaces histidine with proline at codon 1205 of the ANKRD11 protein (p.His1205Pro). The histidine residue is highly conserved and there is a moderate physicochemical difference between histidine and proline.

NM_013275.6(ANKRD11):c.3614A>C (p.His1205Pro)

Gene: ANKRD11 (ankyrin repeat domain 11; minus strand). Cytogenetic location: 16q24.3.
Variant type: single nucleotide variant.
Coding change: c.3614A>C on transcript NM_013275.6 (MANE Select); coding-DNA position 3614, A replaced by C.
Protein change: p.His1205Pro; replaces histidine 1205 with proline.
Molecular consequence: missense variant.
Genome position (GRCh38, 1-based): chr16:89,282,928, T>G on the plus strand (A>C on the coding strand, the complement: ANKRD11 is on the minus strand). VCF-style: chr16-89282928-T-G. GRCh37 (hg19) VCF-style: chr16-89349336-T-G.
Other names: c.3614A>C, p.His1205Pro (NM_001256182.2, NM_001256183.2); short protein forms H1205P.
Identifiers: ClinVar variation 1043431 (VCV001043431.8), dbSNP rs2034383110, ClinGen allele CA397159406.